The following is an entry in ClinVar:

ClinVar aggregate classification (germline): Uncertain significance. Review status: criteria provided, multiple submitters, no conflicts (2 of 4 stars). 2 submissions from 2 submitters: Uncertain significance (2). Last evaluated 2026-05-21.

Conditions:
WDPCP-related disorder. Also called: WDPCP-related condition.
Bardet-Biedl syndrome (BBS). Identifiers: Orphanet 110, MedGen C0752166, MONDO:0015229.

Allele frequency attached by ClinVar (database versions not stated): TOPMed below 0.00001; gnomAD exomes 0.00002; ExAC 0.00006.
gnomAD v4.1: 32 of 1,614,066 alleles (0.002%); highest among the groups gnomAD compares: South Asian, 0.027%; no homozygotes.

Submissions (2):

PreventionGenetics, part of Exact Sciences
Classification: Uncertain significance for WDPCP-related condition. Last evaluated: 2026-05-21. Review status: criteria provided, single submitter. Criteria: ACMG Guidelines, 2015. Collection method: clinical testing. Allele origin: germline.
Comment: The WDPCP c.1295T>C variant is predicted to result in the amino acid substitution p.Phe432Ser. To our knowledge, this variant has not been reported in the literature. This variant is reported in 0.020% of alleles in individuals of South Asian descent in gnomAD. At this time, the clinical significance of this variant is uncertain due to the absence of conclusive functional and genetic evidence.

Labcorp Genetics (formerly Invitae), Labcorp
Classification: Uncertain significance for Bardet-Biedl syndrome. Last evaluated: 2022-07-22. Review status: criteria provided, single submitter. Criteria: Invitae Variant Classification Sherloc (09022015). Collection method: clinical testing. Allele origin: germline.
Comment: In summary, the available evidence is currently insufficient to determine the role of this variant in disease. Therefore, it has been classified as a Variant of Uncertain Significance. Algorithms developed to predict the effect of missense changes on protein structure and function (SIFT, PolyPhen-2, Align-GVGD) all suggest that this variant is likely to be disruptive. This variant has not been reported in the literature in individuals affected with WDPCP-related conditions. This variant is present in population databases (rs758480274, gnomAD 0.02%). This sequence change replaces phenylalanine, which is neutral and non-polar, with serine, which is neutral and polar, at codon 432 of the WDPCP protein (p.Phe432Ser).

NM_015910.7(WDPCP):c.1295T>C (p.Phe432Ser)

Gene: WDPCP (WD repeat containing planar cell polarity effector; minus strand). Cytogenetic location: 2p15.
Variant type: single nucleotide variant.
Coding change: c.1295T>C on transcript NM_015910.7 (MANE Select); coding-DNA position 1295, T replaced by C.
Protein change: p.Phe432Ser; replaces phenylalanine 432 with serine.
Molecular consequence: missense variant. On other transcripts: non-coding transcript variant (3).
Genome position (GRCh38, 1-based): chr2:63,404,188, A>G on the plus strand (T>C on the coding strand, the complement: WDPCP is on the minus strand). VCF-style: chr2-63404188-A-G. GRCh37 (hg19) VCF-style: chr2-63631323-A-G.
Other names: c.818T>C, p.Phe273Ser (NM_001042692.3); c.1223T>C, p.Phe408Ser (NM_001354044.2); c.1295T>C, p.Phe432Ser (NM_001354045.2); c.1295T>C (NM_015910.5); short protein forms F408S, F432S, F273S.
Identifiers: ClinVar variation 2182777 (VCV002182777.5), dbSNP rs758480274, ClinGen allele CA1682257.
Genomic context (GRCh38, chr2:63,404,188, plus strand): 5'-TTCTGAGAAACAACCTGAGGAGCTATCCATTGCATTTGAACAAGACTGCTGGAGGCATCA[A>G]ATAATTTACTGAATTGCAGAGTCTCCCTGGGTAAGCGGTCTTCAGCCAACAGTTGGATGT-3'
Protein context (NP_056994.3, residues 422-442): PRETLQFSKL[Phe432Ser]DASSSLVQMQ